The following is an entry in ClinVar:

ClinVar aggregate classification (germline): Uncertain significance (1 of 4 stars; one submission).

Submission:

Ambry Genetics
Classification: Uncertain significance. Last evaluated: 2023-01-03. Review status: criteria provided, single submitter. Criteria: Ambry Variant Classification Scheme 2023. Collection method: clinical testing. Allele origin: germline.
Comment: The p.P538A variant (also known as c.1612C>G), located in coding exon 12 of the RECQL gene, results from a C to G substitution at nucleotide position 1612. The proline at codon 538 is replaced by alanine, an amino acid with highly similar properties. This amino acid position is conserved. In addition, this alteration is predicted to be tolerated by in silico analysis. Since supporting evidence is limited at this time, the clinical significance of this alteration remains unclear.

NM_002907.4(RECQL):c.1612C>G (p.Pro538Ala)

Gene: RECQL (RecQ like helicase; minus strand). Cytogenetic location: 12p12.1.
Variant type: single nucleotide variant.
Coding change: c.1612C>G on transcript NM_002907.4 (MANE Select); coding-DNA position 1612, C replaced by G.
Protein change: p.Pro538Ala; replaces proline 538 with alanine.
Molecular consequence: missense variant.
Genome position (GRCh38, 1-based): chr12:21,471,483, G>C on the plus strand (C>G on the coding strand, the complement: RECQL is on the minus strand). VCF-style: chr12-21471483-G-C. GRCh37 (hg19) VCF-style: chr12-21624417-G-C.
Other names: c.1612C>G, p.Pro538Ala (NM_032941.3); short protein forms P538A.
Identifiers: ClinVar variation 2446912 (VCV002446912.2), dbSNP rs2137315970, ClinGen allele CA384116038.
Genomic context (GRCh38, chr12:21,471,483, plus strand): 5'-CATACTTAAGATACTGCTGTATTAGAAAGTGTGCAATAATCTTCTCCAGATCTTCACGAG[G>C]AAGTGTGGGAGCCACAACACCTGCTACTCTCAGTTTTGCTGCACCCTTTCCCATCCAAGA-3'
Protein context (NP_002898.2, residues 528-548): RVAGVVAPTL[Pro538Ala]REDLEKIIAH